The following is an entry in ClinVar:

ClinVar aggregate classification (germline): Uncertain significance (1 of 4 stars; one submission).

Conditions:
Cardiovascular phenotype. Identifiers: MedGen CN230736.

Submission:

Ambry Genetics
Classification: Uncertain significance for Cardiovascular phenotype. Last evaluated: 2019-06-21. Review status: criteria provided, single submitter. Criteria: Ambry Variant Classification Scheme 2023. Collection method: clinical testing. Allele origin: germline.
Comment: The p.P2602A variant (also known as c.7804C>G), located in coding exon 10 of the ALMS1 gene, results from a C to G substitution at nucleotide position 7804. The proline at codon 2602 is replaced by alanine, an amino acid with highly similar properties. This amino acid position is poorly conserved in available vertebrate species. In addition, this alteration is predicted to be tolerated by in silico analysis. Since supporting evidence is limited at this time, the clinical significance of this alteration remains unclear.

NM_001378454.1(ALMS1):c.7801C>G (p.Pro2601Ala)

Gene: ALMS1 (ALMS1 centrosome and basal body associated protein; plus strand). Cytogenetic location: 2p13.1.
Variant type: single nucleotide variant.
Coding change: c.7801C>G on transcript NM_001378454.1 (MANE Select); coding-DNA position 7801, C replaced by G.
Protein change: p.Pro2601Ala; replaces proline 2601 with alanine.
Molecular consequence: missense variant.
Genome position (GRCh38, 1-based): chr2:73,489,760, C>G. VCF-style: chr2-73489760-C-G. GRCh37 (hg19) VCF-style: chr2-73716887-C-G.
Other names: c.7804C>G, p.Pro2602Ala (NM_015120.4); short protein forms P2602A, P2601A.
Identifiers: ClinVar variation 1760703 (VCV001760703.2), dbSNP rs1553409608, ClinGen allele CA347264096.